The following is an entry in ClinVar:

NM_013275.6(ANKRD11):c.7684G>T (p.Glu2562Ter)

Gene: ANKRD11 (ankyrin repeat domain 11; minus strand). Cytogenetic location: 16q24.3.
Variant type: single nucleotide variant.
Coding change: c.7684G>T on transcript NM_013275.6 (MANE Select); coding-DNA position 7684, G replaced by T.
Protein change: p.Glu2562Ter; replaces glutamic acid 2562 with a stop codon.
Molecular consequence: nonsense.
Genome position (GRCh38, 1-based): chr16:89,274,843, C>A on the plus strand (G>T on the coding strand, the complement: ANKRD11 is on the minus strand). VCF-style: chr16-89274843-C-A. GRCh37 (hg19) VCF-style: chr16-89341251-C-A.
Other names: c.7684G>T, p.Glu2562Ter (NM_001256182.2, NM_001256183.2); short protein forms E2562*.
Identifiers: ClinVar variation 4795251 (VCV004795251.1).
Genomic context (GRCh38, chr16:89,274,843, plus strand): 5'-CTCATGGGCCTGGCATGCAGACGGGCCCTACCTGGCTCTCCAGGGGCATGTTGTAGACCT[C>A]GGAGTCCAGCAGCATCGTGCAGGCGCTGAATGGCACTGCCTGGTTGGCGATGGTCCTGGC-3'

ClinVar aggregate classification (germline): Pathogenic (1 of 4 stars; one submission).

Conditions:
KBG syndrome (KBGS). Also called: ANKRD11-Related KBG Syndrome. Identifiers: Orphanet 2332, MedGen C0220687, MONDO:0007846, OMIM 148050.

Submission:

Molecular Genetics Laboratory, Motol Hospital
Classification: Pathogenic for KBG syndrome. Last evaluated: 2026-02-13. Review status: criteria provided, single submitter. Criteria: ACMG Guidelines, 2015. Collection method: clinical testing. Allele origin: germline. Inheritance: Sporadic. Affected: yes.
Comment: Not present in gnomAD (v4.1.0). Rare variant not present in dbSNP, ClinVar, LOVD databases. Rare truncating variants in the ANKRD11 gene are associated with KBG syndrome (MIM:148050).

Literature cited by the submitters: NCBI Bookshelf 487886; PubMed 21782149; PubMed 21654729.